The following is an entry in ClinVar:

ClinVar aggregate classification (germline): Uncertain significance. Review status: criteria provided, single submitter (1 of 4 stars). 2 submissions from 2 submitters: Uncertain significance (1). 1 of the submissions does not count toward it.

Conditions:
Maturity-onset diabetes of the young (MODY). Also called: Maturity onset diabetes mellitus in young. Identifiers: Orphanet 552, MedGen C0342276, MONDO:0018911, HP:0004904.
Diabetes mellitus, transient neonatal, 3 (TNDM3). Identifiers: Orphanet 99886, MedGen C1864623, MONDO:0012522, OMIM 610582. Disease mechanism: loss of function.
Hyperinsulinemic hypoglycemia, familial, 2. Also called: HYPERINSULINEMIC HYPOGLYCEMIA, PERSISTENT; HYPERINSULINISM, NEONATAL. Identifiers: Orphanet 276580, Orphanet 276603, MedGen C2931833, MONDO:0011153, OMIM 601820. Disease mechanism: loss of function.
Permanent neonatal diabetes mellitus 1. Also called: GCK-Related Permanent Neonatal Diabetes Mellitus. Identifiers: MedGen C5393570, MONDO:0100165, OMIM 606176.

Allele frequency attached by ClinVar (database versions not stated): TOPMed below 0.00001.

Submissions (2):

Clinical Genomics, Uppaluri K&H Personalized Medicine Clinic
Classification: Uncertain significance for Maturity-onset diabetes of the young. Review status: criteria provided, single submitter. Criteria: K&H Uppaluri Personalized Medicine Clinic Variant Classification & Assertion Criteria. Collection method: research. Allele origin: somatic. Inheritance: Autosomal dominant inheritance.
Comment: Mutations in KCNJ11 gene can cause decreased production and secretion of insulin. This can lead to MODY which is responsive to oral sulfonylureas. It is also associated with Neonatal Diabetes. However, no sufficient evidence is found to ascertain the role of rs1337406718 variant in MODY yet.

Counsyl
Classification: Likely pathogenic for Hyperinsulinemic hypoglycemia, familial, 2; Permanent neonatal diabetes mellitus 1; Diabetes mellitus, transient neonatal, 3. Last evaluated: 2017-11-27. Review status: no assertion criteria provided. Collection method: clinical testing. Allele origin: unknown. Not counted in ClinVar's aggregate classification.

Literature cited by the submitters: PubMed 26448950 (cited by Clinical Genomics, Uppaluri K&H Personalized Medicine Clinic); PubMed 15580558 (cited by Clinical Genomics, Uppaluri K&H Personalized Medicine Clinic); PubMed 15718250 (cited by Clinical Genomics, Uppaluri K&H Personalized Medicine Clinic).

NM_000525.4(KCNJ11):c.1064dup (p.Leu356fs)

Gene: KCNJ11 (potassium inwardly rectifying channel subfamily J member 11; minus strand). Cytogenetic location: 11p15.1.
Variant type: Duplication.
Coding change: c.1064dup on transcript NM_000525.4 (MANE Select); coding-DNA position 1064, one base duplicated (T; older notation c.1064dupT).
Protein change: p.Leu356fs; shifts the reading frame from leucine 356.
Molecular consequence: frameshift variant.
Genome position (GRCh38, 1-based): chr11:17,387,028, A duplicated on the plus strand (T on the coding strand, the reverse complement: KCNJ11 is on the minus strand). VCF-style (leftmost placement, unchanged base first): chr11-17387027-T-TA. GRCh37 (hg19) VCF-style: chr11-17408574-T-TA.
Other names: c.1064dupT (NM_000525.3); c.803dup, p.Leu269fs (NM_001166290.2, NM_001377296.1, NM_001377297.1); short protein forms L356fs, L269fs.
Identifiers: ClinVar variation 555247 (VCV000555247.3), dbSNP rs1337406718, ClinGen allele CA597904287.